The following is an entry in ClinVar:

NM_170606.3(KMT2C):c.6062G>A (p.Arg2021Lys)

Gene: KMT2C (lysine methyltransferase 2C; minus strand). Cytogenetic location: 7q36.1.
Variant type: single nucleotide variant.
Coding change: c.6062G>A on transcript NM_170606.3 (MANE Select); coding-DNA position 6062, G replaced by A.
Protein change: p.Arg2021Lys; replaces arginine 2021 with lysine.
Molecular consequence: missense variant.
Genome position (GRCh38, 1-based): chr7:152,181,798, C>T on the plus strand (G>A on the coding strand, the complement: KMT2C is on the minus strand). VCF-style: chr7-152181798-C-T. GRCh37 (hg19) VCF-style: chr7-151878883-C-T.
Other names: short protein forms R2021K.
Identifiers: ClinVar variation 2442465 (VCV002442465.1), dbSNP rs2129120359, ClinGen allele CA370096905.

ClinVar aggregate classification (germline): Uncertain significance (1 of 4 stars; one submission).

Submission:

GeneDx
Classification: Uncertain significance. Last evaluated: 2022-09-02. Review status: criteria provided, single submitter. Criteria: GeneDx Variant Classification Process June 2021. Collection method: clinical testing. Allele origin: germline. Affected: yes.
Comment: Not observed at significant frequency in large population cohorts (gnomAD); In silico analysis supports that this missense variant does not alter protein structure/function; Has not been previously published as pathogenic or benign to our knowledge